The following is an entry in ClinVar:

NM_001286577.2(C2CD3):c.3541T>C (p.Tyr1181His)

Gene: C2CD3 (C2 domain containing 3 centriole elongation regulator; minus strand). Cytogenetic location: 11q13.4.
Variant type: single nucleotide variant.
Coding change: c.3541T>C on transcript NM_001286577.2 (MANE Select); coding-DNA position 3541, T replaced by C.
Protein change: p.Tyr1181His; replaces tyrosine 1181 with histidine.
Molecular consequence: missense variant.
Genome position (GRCh38, 1-based): chr11:74,090,913, A>G on the plus strand (T>C on the coding strand, the complement: C2CD3 is on the minus strand). VCF-style: chr11-74090913-A-G. GRCh37 (hg19) VCF-style: chr11-73801958-A-G.
Other names: c.3541T>C, p.Tyr1181His (NM_015531.6); short protein forms Y1181H.
Identifiers: ClinVar variation 3026573 (VCV003026573.22), dbSNP rs1413990942, ClinGen allele CA381823466.

ClinVar aggregate classification (germline): Uncertain significance (1 of 4 stars; one submission).

Allele frequency attached by ClinVar (database versions not stated): gnomAD exomes below 0.00001; gnomAD 0.00001; TOPMed 0.00001.
gnomAD v4.1: 2 of 1,613,924 alleles (0.00012%); highest among the groups gnomAD compares: Non-Finnish European, 0.00017%; no homozygotes.

Submission:

CeGaT Center for Human Genetics Tuebingen
Classification: Uncertain significance. Last evaluated: 2023-12-01. Review status: criteria provided, single submitter. Criteria: CeGaT Center For Human Genetics Tuebingen Variant Classification Criteria Version 2. Collection method: clinical testing. Allele origin: germline. Affected: yes. Observed: 1 variant allele.
Comment: C2CD3: PM2